The following is an entry in ClinVar:

ClinVar aggregate classification (germline): Pathogenic. Review status: criteria provided, multiple submitters, no conflicts (2 of 4 stars). 3 submissions from 3 submitters: Pathogenic (3). Last evaluated 2024-12-27.

Conditions:
Mandibulofacial dysostosis-microcephaly syndrome (MFDGA). Also called: Growth and mental retardation, mandibulofacial dysostosis, microcephaly, and cleft palate; Mandibulofacial dysostosis, Guion-Almeida type. Identifiers: Orphanet 79113, MedGen C1864652, MONDO:0012516, OMIM 610536.
Mandibulofacial dysostosis. Identifiers: Orphanet 155899, MedGen CN004722, MONDO:0015483, HP:0005321.

Submissions (3):

Clinical Genetics Laboratory, Skane University Hospital Lund
Classification: Pathogenic for Mandibulofacial dysostosis. Last evaluated: 2024-12-27. Review status: criteria provided, single submitter. Criteria: ACMG Guidelines, 2015. Collection method: clinical testing. Allele origin: de novo. Inheritance: Autosomal dominant inheritance. Affected: yes.
Comment: ACMG criteria used: PVS1, PS2, PS4, PM2

Institute of Medical Genetics and Applied Genomics, University Hospital Tübingen
Classification: Pathogenic for Mandibulofacial dysostosis-microcephaly syndrome. Last evaluated: 2024-01-29. Review status: criteria provided, single submitter. Criteria: ACMG Guidelines, 2015. Collection method: clinical testing. Allele origin: de novo. Inheritance: Autosomal dominant inheritance. Affected: yes.

GeneDx
Classification: Pathogenic. Last evaluated: 2024-01-16. Review status: criteria provided, single submitter. Criteria: GeneDx Variant Classification Process June 2021. Collection method: clinical testing. Allele origin: germline. Affected: yes.
Comment: Not observed at significant frequency in large population cohorts (gnomAD); Frameshift variant predicted to result in protein truncation or nonsense mediated decay in a gene for which loss of function is a known mechanism of disease; This variant is associated with the following publications: (PMID: 35395430)

NM_004247.4(EFTUD2):c.1421del (p.Leu474fs)

Gene: EFTUD2 (elongation factor Tu GTP binding domain containing 2; minus strand). Cytogenetic location: 17q21.31.
Variant type: Deletion.
Coding change: c.1421del on transcript NM_004247.4 (MANE Select); coding-DNA position 1421, one base deleted (T; older notation c.1421delT).
Protein change: p.Leu474fs; shifts the reading frame from leucine 474.
Molecular consequence: frameshift variant.
Genome position (GRCh38, 1-based): chr17:44,862,899, A deleted on the plus strand (T on the coding strand, the reverse complement: EFTUD2 is on the minus strand). VCF-style (leftmost placement, unchanged base first): chr17-44862898-CA-C. GRCh37 (hg19) VCF-style: chr17-42940266-CA-C.
Other names: c.1316del, p.Leu439fs (NM_001142605.2); c.1421del, p.Leu474fs (NM_001258353.2); c.1391del, p.Leu464fs (NM_001258354.2); c.1421del (NM_004247.3); short protein forms L439fs, L464fs, L474fs.
Identifiers: ClinVar variation 2687899 (VCV002687899.3), dbSNP rs2508762950, ClinGen allele CA2695226300.